The following is an entry in ClinVar:

ClinVar aggregate classification (germline): Likely benign. Review status: criteria provided, multiple submitters, no conflicts (2 of 4 stars). 3 submissions from 3 submitters: Likely benign (3). Last evaluated 2025-12-21.

Conditions:
Dilated cardiomyopathy 1G (CMD1G). Identifiers: Orphanet 154, MedGen C1858763, MONDO:0011400, OMIM 604145.
Autosomal recessive limb-girdle muscular dystrophy type 2J (LGMDR10). Also called: MUSCULAR DYSTROPHY, LIMB-GIRDLE, AUTOSOMAL RECESSIVE 10; Limb-girdle muscular dystrophy, type 2J. Identifiers: Orphanet 140922, MedGen C1837342, MONDO:0012127, OMIM 608807.

Allele frequency attached by ClinVar (database versions not stated): gnomAD exomes below 0.00001; TOPMed below 0.00001.

Submissions (3):

Labcorp Genetics (formerly Invitae), Labcorp
Classification: Likely benign for Dilated cardiomyopathy 1G; Autosomal recessive limb-girdle muscular dystrophy type 2J. Last evaluated: 2025-12-21. Review status: criteria provided, single submitter. Criteria: Invitae Variant Classification Sherloc (09022015). Collection method: clinical testing. Allele origin: germline.

CeGaT Center for Human Genetics Tuebingen
Classification: Likely benign. Last evaluated: 2023-12-01. Review status: criteria provided, single submitter. Criteria: CeGaT Center For Human Genetics Tuebingen Variant Classification Criteria Version 2. Collection method: clinical testing. Allele origin: germline. Affected: yes. Observed: 1 variant allele.
Comment: TTN: PM2:Supporting, BP4, BP7

GeneDx
Classification: Likely benign. Last evaluated: 2017-12-18. Review status: criteria provided, single submitter. Criteria: GeneDx Variant Classification (06012015). Collection method: clinical testing. Allele origin: germline. Affected: yes.
Comment: This variant is considered likely benign or benign based on one or more of the following criteria: it is a conservative change, it occurs at a poorly conserved position in the protein, it is predicted to be benign by multiple in silico algorithms, and/or has population frequency not consistent with disease.

NM_001267550.2(TTN):c.83448T>C (p.Ile27816=)

Genes: TTN (titin; minus strand), TTN-AS1 (TTN antisense RNA 1; plus strand). Cytogenetic location: 2q31.2.
Variant type: single nucleotide variant.
Coding change: c.83448T>C on transcript NM_001267550.2 (MANE Select); coding-DNA position 83448, T replaced by C.
Protein change: p.Ile27816=; no amino-acid change (isoleucine 27816 retained).
Molecular consequence: synonymous variant.
Genome position (GRCh38, 1-based): chr2:178,562,684, A>G on the plus strand (T>C on the coding strand, the complement: TTN is on the minus strand). VCF-style: chr2-178562684-A-G. GRCh37 (hg19) VCF-style: chr2-179427411-A-G.
Other names: c.78525T>C, p.Ile26175= (NM_001256850.1); c.56253T>C, p.Ile18751= (NM_003319.4); c.75744T>C, p.Ile25248= (NM_133378.4); c.56628T>C, p.Ile18876= (NM_133432.3); c.56829T>C, p.Ile18943= (NM_133437.4).
Identifiers: ClinVar variation 514308 (VCV000514308.25), dbSNP rs200867516, ClinGen allele CA60986413.
Genomic context (GRCh38, chr2:178,562,684, plus strand): 5'-GTAAGAACATCCTTCTTGTAGATTTTCAATTCTGAAAGTAGTTTTAGTGCAATTATTTGT[A>G]ATGGTAGCATAGGCTTTTCTTGTAGTTTCTCGTTTTTCGACAATGTAGTTTGTAATCTTA-3'
Protein context (NP_001254479.2, residues 27806-27826): RETTRKAYAT[Ile27816=]TNNCTKTTFR